The following is an entry in ClinVar:

NM_058216.3(RAD51C):c.406A>T (p.Met136Leu)

Gene: RAD51C (RAD51 paralog C; plus strand). Cytogenetic location: 17q22.
Variant type: single nucleotide variant.
Coding change: c.406A>T on transcript NM_058216.3 (MANE Select); coding-DNA position 406, A replaced by T.
Protein change: p.Met136Leu; replaces methionine 136 with leucine.
Molecular consequence: missense variant.
Genome position (GRCh38, 1-based): chr17:58,696,694, A>T. VCF-style: chr17-58696694-A-T. GRCh37 (hg19) VCF-style: chr17-56774055-A-T.
Other names: p.M136L:ATG>TTG; c.406A>T (LRG_314t1); short protein forms M136L.
Identifiers: ClinVar variation 128204 (VCV000128204.34), dbSNP rs587780254, ClinGen allele CA331898.

ClinVar aggregate classification (germline): Conflicting classifications of pathogenicity. Review status: criteria provided, conflicting classifications (1 of 4 stars). 12 submissions from 12 submitters: Uncertain significance (9); Benign (1); Likely benign (1). 1 of the submissions does not count toward it. Last evaluated 2025-10-28.

Conditions:
Familial ovarian cancer. Identifiers: MedGen C5679802, MONDO:0016248.
Breast-ovarian cancer, familial, susceptibility to, 3. Also called: RAD51C-Related Breast/Ovarian Cancer. Identifiers: Orphanet 145, MedGen C3150659, MONDO:0013253, OMIM 613399.
Fanconi anemia complementation group O. Also called: RAD51C-Related Fanconi Anemia. Identifiers: Orphanet 84, MedGen C3150653, MONDO:0013248, OMIM 613390.
Hereditary cancer-predisposing syndrome. Also called: Tumor predisposition; Hereditary Cancer Syndrome; Neoplastic Syndromes, Hereditary; Hereditary neoplastic syndrome. Identifiers: Orphanet 140162, MedGen C0027672, MeSH D009386, MONDO:0015356.
Hereditary breast ovarian cancer syndrome. Also called: Hereditary breast and ovarian cancer; Hereditary breast and/or ovarian cancer syndrome; BRCA1- and BRCA2-Associated Hereditary Breast and Ovarian Cancer; Hereditary breast and ovarian cancer syndrome; Hereditary breast and ovarian cancer syndrome (HBOC); Breast and ovarian cancer. Identifiers: Orphanet 145, MedGen C0677776, MeSH D061325, MONDO:0003582. Disease mechanism: loss of function.
Microcephaly. Also called: Microcephaly (disease). Identifiers: MedGen C4551563, MONDO:0001149, HP:0000252.

Allele frequency attached by ClinVar (database versions not stated): gnomAD exomes 0.00001 and 0.00004; TOPMed 0.00001; ExAC 0.00002.

Submissions (12):

Ambry Genetics
Classification: Benign for Hereditary cancer-predisposing syndrome. Last evaluated: 2025-10-28. Review status: criteria provided, single submitter. Criteria: Ambry Variant Classification Scheme 2023. Collection method: clinical testing. Allele origin: germline.

Color Diagnostics, LLC DBA Color Health
Classification: Likely benign for Hereditary cancer-predisposing syndrome. Last evaluated: 2025-03-24. Review status: criteria provided, single submitter. Criteria: ACMG Guidelines, 2015. Collection method: clinical testing. Allele origin: germline.

Labcorp Genetics (formerly Invitae), Labcorp
Classification: Uncertain significance for Fanconi anemia complementation group O. Last evaluated: 2024-12-12. Review status: criteria provided, single submitter. Criteria: Invitae Variant Classification Sherloc (09022015). Collection method: clinical testing. Allele origin: germline.
Comment: This sequence change replaces methionine, which is neutral and non-polar, with leucine, which is neutral and non-polar, at codon 136 of the RAD51C protein (p.Met136Leu). This variant is present in population databases (rs587780254, gnomAD 0.02%). This variant has not been reported in the literature in individuals affected with RAD51C-related conditions. ClinVar contains an entry for this variant (Variation ID: 128204). An algorithm developed to predict the effect of missense changes on protein structure and function (PolyPhen-2) suggests that this variant¬†is likely to be tolerated. Experimental studies have shown that this missense change does not substantially affect RAD51C function (PMID: 37253112). In summary, the available evidence is currently insufficient to determine the role of this variant in disease. Therefore, it has been classified as a Variant of Uncertain Significance.

Molecular Pathology, Peter Maccallum Cancer Centre
Classification: Uncertain significance for Familial ovarian cancer. Last evaluated: 2024-04-15. Review status: criteria provided, single submitter. Criteria: ACMG Guidelines, 2015. Collection method: clinical testing. Allele origin: germline. Inheritance: Autosomal dominant inheritance.

KCCC/NGS Laboratory, Kuwait Cancer Control Center
Classification: Uncertain significance for Breast-ovarian cancer, familial, susceptibility to, 3. Last evaluated: 2023-07-04. Review status: criteria provided, single submitter. Criteria: ACMG Guidelines, 2015. Collection method: clinical testing. Allele origin: unknown. Inheritance: Autosomal dominant inheritance. Affected: yes. Observed: 1 heterozygote.
Comment: This sequence change replaces methionine, which is neutral and non-polar, with leucine, which is neutral and non-polar, at codon 136 of the RAD51C protein (p.Met136Leu). This variant is present in population databases (rs587780254, gnomAD 0.02%). This variant has not been reported in the literature in individuals affected with RAD51C-related conditions.Five ClinVar submitters (evaluation after 2014) cite the variant as uncertain significance (Variation ID: 128204). Algorithms developed to predict the effect of missense changes on protein structure and function (SIFT, PolyPhen-2, Align-GVGD) all suggest that this variant is likely to be tolerated and.computational tools predict no significant impact on normal splicing. In summary, the available evidence is currently insufficient to determine the role of this variant in disease. Therefore, it has been classified as a Variant of Uncertain Significance.

Baylor Genetics
Classification: Uncertain significance for Breast-ovarian cancer, familial, susceptibility to, 3. Last evaluated: 2023-06-16. Review status: criteria provided, single submitter. Criteria: ACMG Guidelines, 2015. Collection method: clinical testing. Allele origin: unknown.

Fulgent Genetics
Classification: Uncertain significance for Fanconi anemia complementation group O; Breast-ovarian cancer, familial, susceptibility to, 3. Last evaluated: 2022-04-07. Review status: criteria provided, single submitter. Criteria: ACMG Guidelines, 2015. Collection method: clinical testing. Allele origin: unknown.

Sema4
Classification: Uncertain significance for Hereditary cancer-predisposing syndrome. Last evaluated: 2022-02-01. Review status: criteria provided, single submitter. Criteria: Sema4 Curation Guidelines. Collection method: curation. Allele origin: germline.
Comment: To the best of our knowledge, the RAD51C c.406A>T (p.M136L) variant has not been reported in individuals with RAD51C-related disease. It was observed in 3/18394 chromosomes of the East Asian subpopulation in the large and broad cohorts of the Genome Aggregation Database (PMID: 32461654). The variant has been reported in ClinVar (Variation ID 128204). In silico tools suggest the impact of the variant on protein function is benign though these predictions have not been confirmed by functional studies. The evidence is insufficient to meet ACMG/AMP criteria for classifying the variant as benign or pathogenic. Thus, the clinical significance of this variant is currently uncertain.

Women's Health and Genetics/Laboratory Corporation of America, LabCorp
Classification: Uncertain significance. Last evaluated: 2021-11-30. Review status: criteria provided, single submitter. Criteria: LabCorp Variant Classification Summary - May 2015. Collection method: clinical testing. Allele origin: germline.
Comment: Variant summary: RAD51C c.406A>T (p.Met136Leu) results in a conservative amino acid change located in the ATP-binding domain (IPR020588) of the encoded protein sequence. Four of five in-silico tools predict a benign effect of the variant on protein function. 4/4 computational tools predict no significant impact on normal splicing. However, these predictions have yet to be confirmed by functional studies. The variant allele was found at a frequency of 0.00013 in 268236 control chromosomes (gnomAD and jMorp Japanese database). The observed variant frequency is approximately 2-fold of the estimated maximal expected allele frequency for a pathogenic variant in RAD51C causing Hereditary Breast And Ovarian Cancer Syndrome phenotype (6.3e-05), strongly suggesting that the variant is benign. To our knowledge, no occurrence of c.406A>T in individuals affected with Hereditary Breast And Ovarian Cancer Syndrome and no experimental evidence demonstrating its impact on protein function have been reported. Co-occurrences with a pathogenic variant have been reported via internal testing (BRCA1 c.3770_3771delAG, p.Glu1257GlyfsX9), providing supporting evidence for a benign role. Five ClinVar submitters (evaluation after 2014) cite the variant as uncertain significance. Based on the evidence outlined above, the variant was classified as VUS-possibly benign.

GeneDx
Classification: Uncertain significance. Last evaluated: 2019-09-12. Review status: criteria provided, single submitter. Criteria: GeneDx Variant Classification Process June 2021. Collection method: clinical testing. Allele origin: germline. Affected: yes.
Comment: Has not been previously published as a pathogenic or benign germline variant to our knowledge; This variant is associated with the following publications: (PMID: 22975805)

Cancer Genomics Group, Japanese Foundation For Cancer Research
Classification: Uncertain significance for Hereditary breast and ovarian cancer syndrome. Last evaluated: 2019-05-01. Review status: criteria provided, single submitter. Criteria: ACMG Guidelines, 2015. Collection method: research. Allele origin: germline. Affected: yes.

Department of Pediatrics, Samsung Medical Center, Samsung Medical Center
Classification: Uncertain significance for Microcephaly. Review status: no assertion criteria provided. Criteria: ACMG Guidelines, 2015. Collection method: research. Allele origin: germline. Affected: yes. Not counted in ClinVar's aggregate classification.

Literature cited by the submitters: PubMed 33309985 (cited by Ambry Genetics); PubMed 37253112 (cited by Labcorp Genetics (formerly Invitae), Labcorp).